The following is an entry in ClinVar:

ClinVar aggregate classification (germline): Uncertain significance. Review status: criteria provided, multiple submitters, no conflicts (2 of 4 stars). 2 submissions from 2 submitters: Uncertain significance (2). Last evaluated 2024-02-24.

Conditions:
Hyperglycinuria. Also called: GLYCINURIA WITH OR WITHOUT OXALATE NEPHROLITHIASIS; GLYCINURIA WITH OR WITHOUT OXALATE UROLITHIASIS; IMINOGLYCINURIA TYPE II. Identifiers: MedGen C0543541, MONDO:0007677, OMIM 138500, HP:0003108.
Neutral 1 amino acid transport defect (HND). Also called: Hartnup disease; HARTNUP DISORDER. Identifiers: Orphanet 2116, MedGen C0018609, MONDO:0009324, OMIM 234500.
Iminoglycinuria. Identifiers: Orphanet 42062, MedGen C0268654, MONDO:0009448, OMIM 242600.

Allele frequency attached by ClinVar (database versions not stated): ExAC 0.00003; gnomAD exomes 0.00004 and 0.00006; gnomAD 0.00006.

Submissions (2):

Labcorp Genetics (formerly Invitae), Labcorp
Classification: Uncertain significance. Last evaluated: 2024-02-24. Review status: criteria provided, single submitter. Criteria: Invitae Variant Classification Sherloc (09022015). Collection method: clinical testing. Allele origin: germline.
Comment: This sequence change replaces valine, which is neutral and non-polar, with methionine, which is neutral and non-polar, at codon 508 of the SLC6A19 protein (p.Val508Met). This variant is present in population databases (rs771770693, gnomAD 0.03%). This variant has not been reported in the literature in individuals affected with SLC6A19-related conditions. ClinVar contains an entry for this variant (Variation ID: 1375099). Advanced modeling of protein sequence and biophysical properties (such as structural, functional, and spatial information, amino acid conservation, physicochemical variation, residue mobility, and thermodynamic stability) performed at Invitae indicates that this missense variant is not expected to disrupt SLC6A19 protein function with a negative predictive value of 80%. In summary, the available evidence is currently insufficient to determine the role of this variant in disease. Therefore, it has been classified as a Variant of Uncertain Significance.

Fulgent Genetics
Classification: Uncertain significance for Hyperglycinuria; Neutral 1 amino acid transport defect; Iminoglycinuria. Last evaluated: 2022-03-09. Review status: criteria provided, single submitter. Criteria: ACMG Guidelines, 2015. Collection method: clinical testing. Allele origin: unknown.

NM_001003841.3(SLC6A19):c.1522G>A (p.Val508Met)

Gene: SLC6A19 (solute carrier family 6 member 19; plus strand). Cytogenetic location: 5p15.33.
Variant type: single nucleotide variant.
Coding change: c.1522G>A on transcript NM_001003841.3 (MANE Select); coding-DNA position 1522, G replaced by A.
Protein change: p.Val508Met; replaces valine 508 with methionine.
Molecular consequence: missense variant.
Genome position (GRCh38, 1-based): chr5:1,219,648, G>A. VCF-style: chr5-1219648-G-A. GRCh37 (hg19) VCF-style: chr5-1219763-G-A.
Other names: short protein forms V508M.
Identifiers: ClinVar variation 1375099 (VCV001375099.7), dbSNP rs771770693, ClinGen allele CA3183193.
Genomic context (GRCh38, chr5:1,219,648, plus strand): 5'-TATGCCGGCTCCATTCCCCTGCTCATCATCGCCTTCTGCGAGATGTTCTCTGTGGTCTAC[G>A]TGTACGGTGTGGACAGGTAGGGGCCACGGTGGGGACAGGTGCCTCTAATGCAGAAAAGCC-3'
Protein context (NP_001003841.1, residues 498-518): AFCEMFSVVY[Val508Met]YGVDRFNKDI